The following is an entry in ClinVar:

ClinVar aggregate classification (germline): Conflicting classifications of pathogenicity. Review status: criteria provided, conflicting classifications (1 of 4 stars). 3 submissions from 3 submitters: Likely pathogenic (1); Uncertain significance (2). Last evaluated 2024-06-21.

Allele frequency attached by ClinVar (database versions not stated): gnomAD exomes 0.00001 and 0.00002; ExAC 0.00002; TOPMed 0.00002; gnomAD 0.00003 and 0.00005; ESP Exome Variant Server 0.00008.
gnomAD v4.1: 23 of 1,614,070 alleles (0.0014%); highest among the groups gnomAD compares: Middle Eastern, 0.05%; no homozygotes.

Submissions (3):

Blueprint Genetics
Classification: Uncertain significance. Last evaluated: 2024-06-21. Review status: criteria provided, single submitter. Criteria: ACMG Guidelines, 2015. Collection method: clinical testing. Allele origin: germline.

Labcorp Genetics (formerly Invitae), Labcorp
Classification: Likely pathogenic. Last evaluated: 2024-02-05. Review status: criteria provided, single submitter. Criteria: Invitae Variant Classification Sherloc (09022015). Collection method: clinical testing. Allele origin: germline.
Comment: This sequence change replaces arginine, which is basic and polar, with histidine, which is basic and polar, at codon 811 of the ABCA4 protein (p.Arg811His). This variant is present in population databases (rs368016280, gnomAD 0.01%). This variant has not been reported in the literature in individuals affected with ABCA4-related conditions. ClinVar contains an entry for this variant (Variation ID: 1520561). Advanced modeling of protein sequence and biophysical properties (such as structural, functional, and spatial information, amino acid conservation, physicochemical variation, residue mobility, and thermodynamic stability) performed at Invitae indicates that this missense variant is expected to disrupt ABCA4 protein function with a positive predictive value of 95%. This variant disrupts the p.Arg811 amino acid residue in ABCA4. Other variant(s) that disrupt this residue have been determined to be pathogenic (PMID: 24428930, 34315337). This suggests that this residue is clinically significant, and that variants that disrupt this residue are likely to be disease-causing. In summary, the currently available evidence indicates that the variant is pathogenic, but additional data are needed to prove that conclusively. Therefore, this variant has been classified as Likely Pathogenic.

GeneDx
Classification: Uncertain significance. Last evaluated: 2022-12-01. Review status: criteria provided, single submitter. Criteria: GeneDx Variant Classification Process June 2021. Collection method: clinical testing. Allele origin: germline. Affected: yes.
Comment: In silico analysis supports that this missense variant does not alter protein structure/function; Has not been previously published as pathogenic or benign to our knowledge

Literature cited by the submitters: PubMed 24428930 (cited by Labcorp Genetics (formerly Invitae), Labcorp); PubMed 34315337 (cited by Labcorp Genetics (formerly Invitae), Labcorp).

NM_000350.3(ABCA4):c.2432G>A (p.Arg811His)

Gene: ABCA4 (ATP binding cassette subfamily A member 4; minus strand). Cytogenetic location: 1p22.1.
Variant type: single nucleotide variant.
Coding change: c.2432G>A on transcript NM_000350.3 (MANE Select); coding-DNA position 2432, G replaced by A.
Protein change: p.Arg811His; replaces arginine 811 with histidine.
Molecular consequence: missense variant.
Genome position (GRCh38, 1-based): chr1:94,055,266, C>T on the plus strand (G>A on the coding strand, the complement: ABCA4 is on the minus strand). VCF-style: chr1-94055266-C-T. GRCh37 (hg19) VCF-style: chr1-94520822-C-T.
Other names: c.2210G>A, p.Arg737His (NM_001425324.1); short protein forms R811H, R737H.
Identifiers: ClinVar variation 1520561 (VCV001520561.9), dbSNP rs368016280, ClinGen allele CA958268.
Genomic context (GRCh38, chr1:94,055,266, plus strand): 5'-CCTTCCGTGGGACTGTTCCCGATGTTGCTCCACTGCAGCCCCAGGCCTTGCTCTTCAAAG[C>T]GAACCAGGTACTCAGTGCCAAATCCAAATGCCACCGGAGACAGTAAGCTCTGCAGTGAGG-3'
Protein context (NP_000341.2, residues 801-821): AFGFGTEYLV[Arg811His]FEEQGLGLQW